The following is an entry in ClinVar:

NM_020066.5(FMN2):c.3273A>T (p.Leu1091=)

Gene: FMN2 (formin 2; plus strand). Cytogenetic location: 1q43.
Variant type: single nucleotide variant.
Coding change: c.3273A>T on transcript NM_020066.5 (MANE Select); coding-DNA position 3273, A replaced by T.
Protein change: p.Leu1091=; no amino-acid change (leucine 1091 retained).
Molecular consequence: synonymous variant. On other transcripts: intron variant (1).
Genome position (GRCh38, 1-based): chr1:240,208,085, A>T. VCF-style: chr1-240208085-A-T. GRCh37 (hg19) VCF-style: chr1-240371385-A-T.
Other names: c.3285A>T, p.Leu1095= (NM_001305424.2); c.1986+19823A>T (NM_001348094.2).
Identifiers: ClinVar variation 2640178 (VCV002640178.24), dbSNP rs1197786282, ClinGen allele CA424385610.

ClinVar aggregate classification (germline): Likely benign (1 of 4 stars; one submission).

Allele frequency attached by ClinVar (database versions not stated): gnomAD 0.00039.

Submission:

CeGaT Center for Human Genetics Tuebingen
Classification: Likely benign. Last evaluated: 2026-06-01. Review status: criteria provided, single submitter. Criteria: CeGaT Center For Human Genetics Tuebingen Variant Classification Criteria Version 2. Collection method: clinical testing. Allele origin: germline. Affected: yes. Observed: 4 variant alleles.
Comment: FMN2: BP4, BP7